The following is an entry in ClinVar:

ClinVar aggregate classification (germline): Likely pathogenic (1 of 4 stars; one submission).

Conditions:
Autosomal recessive polycystic kidney disease (ARPKD). Also called: AR polycystic kidney disease. Identifiers: Orphanet 731, Orphanet 8378, MedGen C0085548, MeSH D017044, MONDO:0009889.

gnomAD v4.1: 1 of 1,590,300 alleles (0.000063%); highest among the groups gnomAD compares: Non-Finnish European, 0.000086%; no homozygotes.

Submission:

Natera, Inc.
Classification: Likely pathogenic for Autosomal recessive polycystic kidney disease. Last evaluated: 2025-03-23. Review status: criteria provided, single submitter. Criteria: Natera Variant Classification Schema (03/2026). Collection method: clinical testing. Allele origin: germline.
Comment: The c.52+1G>A variant in PKHD1 is a canonical splice donor site variant predicted to affect pre-mRNA splicing, which may result in an abnormal transcript and altered protein product. This variant is expected to result in nonsense mediated decay, truncation, or a dysfunctional protein product. This variant is rare in the general population with a frequency below the threshold expected for the associated phenotype(s). Given the available evidence, this variant is classified as Likely Pathogenic.

NM_138694.4(PKHD1):c.52+1G>A

Gene: PKHD1 (PKHD1 ciliary IPT domain containing fibrocystin/polyductin; minus strand). Cytogenetic location: 6p12.2.
Variant type: single nucleotide variant.
Coding change: c.52+1G>A on transcript NM_138694.4 (MANE Select); the canonical splice donor site of the intron after coding-DNA position 52, G replaced by A.
Molecular consequence: splice donor variant.
Genome position (GRCh38, 1-based): chr6:52,084,881, C>T on the plus strand (G>A on the coding strand, the complement: PKHD1 is on the minus strand). VCF-style: chr6-52084881-C-T. GRCh37 (hg19) VCF-style: chr6-51949679-C-T.
Other names: c.52+1G>A (NM_170724.3).
Identifiers: ClinVar variation 4060084 (VCV004060084.2).
Genomic context (GRCh38, chr6:52,084,881, plus strand): 5'-AGTTCTCAAGGTAACCTATTGTGTTCTTACCTATAATTCCTTCAAAACACATTCTACTGA[C>T]CTGCCAAAAGTAGTACTTCAATACTCATCAGAGAGATCAGCCAGGCAGTCATTCTGTCCA-3'